The following is an entry in ClinVar:

NM_022124.6(CDH23):c.3305T>A (p.Phe1102Tyr)

Genes: C10orf105 (chromosome 10 open reading frame 105; minus strand), CDH23 (cadherin related 23; plus strand). Cytogenetic location: 10q22.1.
Variant type: single nucleotide variant.
Coding change: c.3305T>A on transcript NM_022124.6 (MANE Select); coding-DNA position 3305, T replaced by A.
Protein change: p.Phe1102Tyr; replaces phenylalanine 1102 with tyrosine.
Molecular consequence: missense variant. On other transcripts: 3 prime UTR variant (2).
Genome position (GRCh38, 1-based): chr10:71,712,749, T>A. VCF-style: chr10-71712749-T-A. GRCh37 (hg19) VCF-style: chr10-73472506-T-A.
Other names: c.*3187A>T (NM_001164375.3, NM_001168390.2); c.3305T>A, p.Phe1102Tyr (NM_001171930.2); short protein forms F1102Y.
Identifiers: ClinVar variation 666804 (VCV000666804.5), dbSNP rs369002480, ClinGen allele CA5544550.

ClinVar aggregate classification (germline): Uncertain significance. Review status: criteria provided, single submitter (1 of 4 stars). 2 submissions from 2 submitters: Uncertain significance (1). 1 of the submissions does not count toward it. Last evaluated 2018-06-14.

Conditions:
Usher syndrome type 1 (USH1). Also called: RETINITIS PIGMENTOSA AND CONGENITAL DEAFNESS. Identifiers: Orphanet 231169, Orphanet 886, MedGen C1568247, MONDO:0010168, OMIM 276900.

Allele frequency attached by ClinVar (database versions not stated): TOPMed below 0.00001; ExAC 0.00001; gnomAD exomes 0.00001 and below 0.00001; gnomAD 0.00001; ESP Exome Variant Server 0.00008.
gnomAD v4.1: 13 of 1,613,532 alleles (0.00081%); highest among the groups gnomAD compares: Non-Finnish European, 0.0011%; no homozygotes.

Submissions (2):

Laboratory for Molecular Medicine, Mass General Brigham Personalized Medicine
Classification: Uncertain significance. Last evaluated: 2018-06-14. Review status: criteria provided, single submitter. Criteria: LMM Criteria. Collection method: clinical testing. Allele origin: germline. Observed: 1 variant allele.
Comment: The p.Phe1102Tyr variant in CDH23 has not been previously reported in individual s with hearing loss or Usher syndrome but has been identified in 2/125682 Europe an chromosomes by the Genome Aggregation Database (gnomAD; dbSNP rs369002480). Although this variant has been seen in the gene ral population, its frequency is not high enough to rule out a pathogenic role. Computational prediction tools and conservation analysis suggest that the p.Phe1 102Tyr variant may impact the protein, though this information is not predictive enough to determine pathogenicity. In summary, the clinical significance of the p.Phe1102Tyr variant is uncertain. ACMG/AMP Criteria applied: PM2, PP3.

Natera, Inc.
Classification: Uncertain significance for Usher syndrome type 1. Last evaluated: 2020-07-17. Review status: no assertion criteria provided. Collection method: clinical testing. Allele origin: germline. Not counted in ClinVar's aggregate classification.